The following is an entry in ClinVar:

ClinVar aggregate classification (germline): Uncertain significance (1 of 4 stars; one submission).

Conditions:
Leigh syndrome (NULS). Also called: Leigh's necrotizing encephalopathy; Leigh's disease; Leigh Syndrome (mtDNA deletion); LEIGH SYNDROME, NUCLEAR; Leigh's syndrome; Leigh Disease. Identifiers: Orphanet 506, MedGen C2931891, MONDO:0009723, OMIM 256000.

Submission:

Labcorp Genetics (formerly Invitae), Labcorp
Classification: Uncertain significance for Leigh syndrome. Last evaluated: 2022-10-05. Review status: criteria provided, single submitter. Criteria: Invitae Variant Classification Sherloc (09022015). Collection method: clinical testing. Allele origin: germline.
Comment: Advanced modeling of protein sequence and biophysical properties (such as structural, functional, and spatial information, amino acid conservation, physicochemical variation, residue mobility, and thermodynamic stability) performed at Invitae indicates that this missense variant is expected to disrupt SURF1 protein function. This variant has not been reported in the literature in individuals affected with SURF1-related conditions. This variant is not present in population databases (gnomAD no frequency). This sequence change replaces tyrosine, which is neutral and polar, with cysteine, which is neutral and slightly polar, at codon 133 of the SURF1 protein (p.Tyr133Cys). In summary, the available evidence is currently insufficient to determine the role of this variant in disease. Therefore, it has been classified as a Variant of Uncertain Significance.

NM_003172.4(SURF1):c.398A>G (p.Tyr133Cys)

Gene: SURF1 (SURF1 cytochrome c oxidase assembly factor; minus strand). Cytogenetic location: 9q34.2.
Variant type: single nucleotide variant.
Coding change: c.398A>G on transcript NM_003172.4 (MANE Select); coding-DNA position 398, A replaced by G.
Protein change: p.Tyr133Cys; replaces tyrosine 133 with cysteine.
Molecular consequence: missense variant.
Genome position (GRCh38, 1-based): chr9:133,353,866, T>C on the plus strand (A>G on the coding strand, the complement: SURF1 is on the minus strand). VCF-style: chr9-133353866-T-C. GRCh37 (hg19) VCF-style: chr9-136220721-T-C.
Other names: c.71A>G, p.Tyr24Cys (NM_001280787.1); short protein forms Y133C, Y24C.
Identifiers: ClinVar variation 2002031 (VCV002002031.4), dbSNP rs2490619862, ClinGen allele CA375694358.